The following is an entry in ClinVar:

ClinVar aggregate classification (germline): Uncertain significance (1 of 4 stars; one submission).

Submission:

Dasa
Classification: Uncertain significance. Last evaluated: 2026-02-27. Review status: criteria provided, single submitter. Criteria: DASA Assertion Criteria. Collection method: clinical testing. Allele origin: germline.
Comment: NM_130839.5(UBE3A):c.1917G>C (p.Met639Ile) is a missense variant that results in the substitution of methionine with isoleucine. This variant is rare in population databases. The currently available literature and clinical evidence are not sufficient to establish a definitive association between this variant and the reported condition. Therefore, this variant is classified as a variant of uncertain significance.

NM_130839.5(UBE3A):c.1917G>C (p.Met639Ile)

Genes: SNHG14 (small nucleolar RNA host gene 14; plus strand), UBE3A (ubiquitin protein ligase E3A; minus strand). Cytogenetic location: 15q11.2.
Variant type: single nucleotide variant.
Coding change: c.1917G>C on transcript NM_130839.5 (MANE Select); coding-DNA position 1917, G replaced by C.
Protein change: p.Met639Ile; replaces methionine 639 with isoleucine.
Molecular consequence: missense variant. On other transcripts: non-coding transcript variant (1).
Genome position (GRCh38, 1-based): chr15:25,356,733, C>G on the plus strand (G>C on the coding strand, the complement: UBE3A is on the minus strand). VCF-style: chr15-25356733-C-G. GRCh37 (hg19) VCF-style: chr15-25601880-C-G.
Other names: c.1926G>C, p.Met642Ile (NM_000462.5); c.1917G>C, p.Met639Ile (NM_001354505.1, NM_001354545.2, NM_001354538.2); c.1857G>C, p.Met619Ile (NM_001354506.2, NM_001354507.2, NM_001354508.2 and 17 more transcripts); c.606G>C, p.Met202Ile (NM_001354551.2); c.1740G>C, p.Met580Ile (NM_001354546.2); c.666G>C, p.Met222Ile (NM_001354550.2); short protein forms M202I, M222I, M580I, M619I, M639I, M642I.
Identifiers: ClinVar variation 5020693 (VCV005020693.1).